The following is an entry in ClinVar:

ClinVar aggregate classification (germline): Pathogenic/Likely pathogenic. Review status: criteria provided, multiple submitters, no conflicts (2 of 4 stars). 6 submissions from 6 submitters: Pathogenic (2); Likely pathogenic (4). Last evaluated 2025-12-05.

Conditions:
SPTA1-related disorder. Also called: SPTA1-related condition; SPTA1-related disorders.
Lysinuric protein intolerance (LPI). Identifiers: Orphanet 470, MedGen C0268647, MONDO:0009109, OMIM 222700.

Submissions (6):

GeneDx
Classification: Likely pathogenic. Last evaluated: 2025-12-05. Review status: criteria provided, single submitter. Criteria: GeneDx Variant Classification Process June 2021. Collection method: clinical testing. Allele origin: germline.
Comment: Not observed at significant frequency in large population cohorts (gnomAD); In-frame duplication of one amino acid in a non-repeat region; This variant is associated with the following publications: (PMID: 30393954, 3922449, 4027386, 8790144)

Labcorp Genetics (formerly Invitae), Labcorp
Classification: Pathogenic. Last evaluated: 2025-08-09. Review status: criteria provided, single submitter. Criteria: Invitae Variant Classification Sherloc (09022015). Collection method: clinical testing. Allele origin: germline.
Comment: This variant, c.464_466dup, results in the insertion of 1 amino acid(s) of the SPTA1 protein (p.Leu155dup), but otherwise preserves the integrity of the reading frame. This variant is present in population databases (rs749754226, gnomAD 0.007%). This variant has been observed in individuals with autosomal dominant hereditary elliptocytosis and autosomal recessive hereditary pyropoikilocytosis (PMID: 8790144, 30393954). It has also been observed to segregate with disease in related individuals. ClinVar contains an entry for this variant (Variation ID: 1163758). Algorithms developed to predict the effect of variants on gene product structure and function are not available or were not evaluated for this variant. Experimental studies have shown that this variant affects SPTA1 function (PMID: 3922449). For these reasons, this variant has been classified as Pathogenic.

PreventionGenetics, part of Exact Sciences
Classification: Likely pathogenic for SPTA1-related condition. Last evaluated: 2025-03-11. Review status: criteria provided, single submitter. Criteria: ACMG Guidelines, 2015. Collection method: clinical testing. Allele origin: germline.
Comment: The SPTA1 c.464_466dupTGC variant is predicted to result in an in-frame duplication (p.Leu155dup). This variant has not been reported in the literature. An alternate nucleotide change resulting in the same amino acid change, c.460_462dupTGC (p.Leu155dup) or p.Leu154dup, has been reported in the heterozygous state in individuals with hereditary spherocytosis (Glele-Kakai et al. 1996. PubMed ID: 8857939, Vives-Corrons et al. 2020. PubMed ID: 33074480; Andolfo et al. 2021. PubMed ID: 34201899). This variant has not been reported in a large population database (gnomAD), indicating this variant is rare. This variant is interpreted as likely pathogenic.

Blueprint Genetics
Classification: Pathogenic for SPTA1-related disorders. Last evaluated: 2024-11-07. Review status: criteria provided, single submitter. Criteria: ACMG Guidelines, 2015. Collection method: clinical testing. Allele origin: germline. Affected: yes. Observed: 2 variant alleles.

Johns Hopkins Genomics, Johns Hopkins University
Classification: Likely pathogenic for Lysinuric protein intolerance. Last evaluated: 2024-09-24. Review status: criteria provided, single submitter. Criteria: ACMG Guidelines, 2015. Collection method: clinical testing. Allele origin: germline.
Comment: This SPTA1 in-frame duplication variant (rs749754226) is rare (<0.1%) in a large population dataset (gnomAD v4.1.0: 7/1613788 total alleles; 0.0004%; no homozygotes). It has been reported in ClinVar (Variation ID 1163758), but has not been reported in the literature, to our knowledge. However, insertion of a different set of nucleotides (c.460_462dup) resulting in the same amino acid duplication (p.Leu155dup) has been reported in ClinVar (Variation ID 12847) as pathogenic/ likely pathogenic in association with autosomal dominant elliptocytosis and autosomal recessive pyropoikilocytosis. The amino acids surrounding residue 155 in exon 4 are evolutionarily not well conserved across the species assessed. Bioinformatic analysis predicts that this duplication would not affect normal exon 4 splicing, although this has not been confirmed experimentally to our knowledge. We consider c.464_466dup in SPTA1 to be likely pathogenic.

Mayo Clinic Laboratories, Mayo Clinic
Classification: Likely pathogenic. Last evaluated: 2024-01-02. Review status: criteria provided, single submitter. Criteria: ACMG Guidelines, 2015. Collection method: clinical testing. Allele origin: germline.

Literature cited by the submitters: PubMed 8790144 (cited by Labcorp Genetics (formerly Invitae), Labcorp and Mayo Clinic Laboratories, Mayo Clinic); PubMed 30393954 (cited by Labcorp Genetics (formerly Invitae), Labcorp); PubMed 3922449 (cited by Labcorp Genetics (formerly Invitae), Labcorp); PubMed 31364155 (cited by Johns Hopkins Genomics, Johns Hopkins University); PubMed 2567189 (cited by Mayo Clinic Laboratories, Mayo Clinic); PubMed 8857939 (cited by Mayo Clinic Laboratories, Mayo Clinic).

NM_003126.4(SPTA1):c.461TGC[3] (p.Leu155dup)

Gene: SPTA1 (spectrin alpha, erythrocytic 1; minus strand). Cytogenetic location: 1q23.1.
Variant type: Microsatellite.
Coding change: c.461TGC[3] on transcript NM_003126.4 (MANE Select); three copies in a row of the 3-base unit TGC starting at c.461; the reference has two copies in a row; one copy, 3 bases duplicated; also written c.464_466dup.
Protein change: p.Leu155dup; duplicates leucine 155.
Molecular consequence: inframe insertion.
Genome position (GRCh38, 1-based): chr1:158,681,592-158,681,594, GCA duplicated on the plus strand (TGC on the coding strand, the reverse complement: SPTA1 is on the minus strand); duplicating any 3 consecutive bases within chr1:158,681,592-158,681,597 gives the same sequence; the position shown is the placement nearest the transcript's 3' end. VCF-style (leftmost placement, unchanged base first): chr1-158681591-C-CGCA. GRCh37 (hg19) VCF-style: chr1-158651381-C-CGCA.
Other names: c.464_466dup (NM_003126.4, NM_003126.2); c.464_466dupTGC (NM_003126.2).
Identifiers: ClinVar variation 1163758 (VCV001163758.14), dbSNP rs749754226, ClinGen allele CA1184129.